The following is an entry in ClinVar:

ClinVar aggregate classification (germline): Uncertain significance. Review status: criteria provided, multiple submitters, no conflicts (2 of 4 stars). 2 submissions from 2 submitters: Uncertain significance (2). Last evaluated 2026-09-01.

Conditions:
Hereditary cancer-predisposing syndrome. Also called: Neoplastic Syndromes, Hereditary; Hereditary Cancer Syndrome; Tumor predisposition; Hereditary neoplastic syndrome. Identifiers: Orphanet 140162, MedGen C0027672, MeSH D009386, MONDO:0015356.
Renal cell carcinoma. Identifiers: Orphanet 217071, MedGen C0007134, MeSH D002292, MONDO:0005086, HP:0005584.

Allele frequency attached by ClinVar (database versions not stated): TOPMed below 0.00001; ExAC 0.00001; gnomAD 0.00001.
gnomAD v4.1: 2 of 1,613,954 alleles (0.00012%); highest among the groups gnomAD compares: African/African-American, 0.0013%; no homozygotes.

Submissions (2):

Ambry Genetics
Classification: Uncertain significance for Hereditary cancer-predisposing syndrome. Last evaluated: 2026-09-01. Review status: criteria provided, single submitter. Criteria: Ambry Variant Classification Scheme 2023. Collection method: clinical testing. Allele origin: germline.
Comment: The p.D1151H variant (also known as c.3451G>C), located in coding exon 16 of the MET gene, results from a G to C substitution at nucleotide position 3451. The aspartic acid at codon 1151 is replaced by histidine, an amino acid with similar properties. This amino acid position is conserved. In addition, the in silico prediction for this alteration is inconclusive. Based on the available evidence, the clinical significance of this variant remains unclear.

Labcorp Genetics (formerly Invitae), Labcorp
Classification: Uncertain significance for Renal cell carcinoma. Last evaluated: 2019-09-24. Review status: criteria provided, single submitter. Criteria: Invitae Variant Classification Sherloc (09022015). Collection method: clinical testing. Allele origin: germline.
Comment: This variant is present in population databases (rs745437003, ExAC 0.001%). This sequence change replaces aspartic acid with histidine at codon 1151 of the MET protein (p.Asp1151His). The aspartic acid residue is highly conserved and there is a moderate physicochemical difference between aspartic acid and histidine. This variant has not been reported in the literature in individuals with MET-related conditions. In summary, the available evidence is currently insufficient to determine the role of this variant in disease. Therefore, it has been classified as a Variant of Uncertain Significance. Algorithms developed to predict the effect of missense changes on protein structure and function are either unavailable or do not agree on the potential impact of this missense change (SIFT: "Tolerated"; PolyPhen-2: "Probably Damaging"; Align-GVGD: "Class C0").

NM_000245.4(MET):c.3397G>C (p.Asp1133His)

Gene: MET (MET proto-oncogene, receptor tyrosine kinase; plus strand). Cytogenetic location: 7q31.2.
Variant type: single nucleotide variant.
Coding change: c.3397G>C on transcript NM_000245.4 (MANE Select); coding-DNA position 3397, G replaced by C.
Protein change: p.Asp1133His; replaces aspartic acid 1133 with histidine.
Molecular consequence: missense variant.
Genome position (GRCh38, 1-based): chr7:116,778,832, G>C. VCF-style: chr7-116778832-G-C. GRCh37 (hg19) VCF-style: chr7-116418886-G-C.
Other names: c.3451G>C, p.Asp1151His (NM_001127500.3); c.2107G>C, p.Asp703His (NM_001324402.2); short protein forms D1133H, D1151H, D703H.
Identifiers: ClinVar variation 935057 (VCV000935057.10), dbSNP rs745437003, ClinGen allele CA4448717.